The following is an entry in ClinVar:

ClinVar aggregate classification (germline): Uncertain significance (1 of 4 stars; one submission).

Allele frequency attached by ClinVar (database versions not stated): gnomAD exomes below 0.00001; ExAC 0.00001.
gnomAD v4.1: 4 of 1,614,106 alleles (0.00025%); highest among the groups gnomAD compares: South Asian, 0.0044%; no homozygotes.

Submission:

Labcorp Genetics (formerly Invitae), Labcorp
Classification: Uncertain significance. Last evaluated: 2025-10-03. Review status: criteria provided, single submitter. Criteria: Invitae Variant Classification Sherloc (09022015). Collection method: clinical testing. Allele origin: germline.
Comment: This sequence change replaces glutamic acid, which is acidic and polar, with glycine, which is neutral and non-polar, at codon 194 of the SERPING1 protein (p.Glu194Gly). This variant is present in population databases (rs781758342, gnomAD 0.006%). This variant has not been reported in the literature in individuals affected with SERPING1-related conditions. ClinVar contains an entry for this variant (Variation ID: 2896873). Invitae Evidence Modeling of protein sequence and biophysical properties (such as structural, functional, and spatial information, amino acid conservation, physicochemical variation, residue mobility, and thermodynamic stability) has been performed for this missense variant. However, the output from this modeling did not meet the statistical confidence thresholds required to predict the impact of this variant on SERPING1 protein function. In summary, the available evidence is currently insufficient to determine the role of this variant in disease. Therefore, it has been classified as a Variant of Uncertain Significance.

NM_000062.3(SERPING1):c.581A>G (p.Glu194Gly)

Gene: SERPING1 (serpin family G member 1; plus strand). Cytogenetic location: 11q12.1.
Variant type: single nucleotide variant.
Coding change: c.581A>G on transcript NM_000062.3 (MANE Select); coding-DNA position 581, A replaced by G.
Protein change: p.Glu194Gly; replaces glutamic acid 194 with glycine.
Molecular consequence: missense variant.
Genome position (GRCh38, 1-based): chr11:57,602,065, A>G. VCF-style: chr11-57602065-A-G. GRCh37 (hg19) VCF-style: chr11-57369538-A-G.
Other names: c.581A>G, p.Glu194Gly (NM_001032295.2); short protein forms E194G.
Identifiers: ClinVar variation 2896873 (VCV002896873.3), dbSNP rs781758342, ClinGen allele CA6008080.